The following is an entry in ClinVar:

NM_018089.3(ANKZF1):c.819+6T>C

Gene: ANKZF1 (ankyrin repeat and zinc finger peptidyl tRNA hydrolase 1; plus strand). Cytogenetic location: 2q35.
Variant type: single nucleotide variant.
Coding change: c.819+6T>C on transcript NM_018089.3 (MANE Select); 6 bases into the intron after coding-DNA position 819, T replaced by C.
Molecular consequence: intron variant.
Genome position (GRCh38, 1-based): chr2:219,233,439, T>C. VCF-style: chr2-219233439-T-C. GRCh37 (hg19) VCF-style: chr2-220098161-T-C.
Other names: c.819+6T>C (NM_001042410.2); c.189+6T>C (NM_001282792.2).
Identifiers: ClinVar variation 1414087 (VCV001414087.6), dbSNP rs1951105795, ClinGen allele CA2573135345.
Genomic context (GRCh38, chr2:219,233,439, plus strand): 5'-ATCACACTCTGCTGGAGCCAACCTGAGGCGCTACAATGAAGCCACACTATATAAGGTGAG[T>C]TAAGCCTTTTAGATCTGGTGGTACTGATCCATACTTTTTTTGCATCTCTGTTCAACTCAC-3'

ClinVar aggregate classification (germline): Uncertain significance (1 of 4 stars; one submission).

Submission:

Labcorp Genetics (formerly Invitae), Labcorp
Classification: Uncertain significance. Last evaluated: 2021-07-20. Review status: criteria provided, single submitter. Criteria: Invitae Variant Classification Sherloc (09022015). Collection method: clinical testing. Allele origin: germline.
Comment: In summary, the available evidence is currently insufficient to determine the role of this variant in disease. Therefore, it has been classified as a Variant of Uncertain Significance. Nucleotide substitutions within the consensus splice site are a relatively common cause of aberrant splicing (PMID: 17576681, 9536098). Algorithms developed to predict the effect of sequence changes on RNA splicing suggest that this variant is not likely to affect RNA splicing. This variant has not been reported in the literature in individuals affected with ANKZF1-related conditions. This variant is not present in population databases (ExAC no frequency). This sequence change falls in intron 7 of the ANKZF1 gene. It does not directly change the encoded amino acid sequence of the ANKZF1 protein. It affects a nucleotide within the consensus splice site of the intron.

Literature cited by the submitters: PubMed 17576681; PubMed 9536098.